The following is an entry in ClinVar:

ClinVar aggregate classification (germline): Uncertain significance (1 of 4 stars; one submission).

Submission:

CeGaT Center for Human Genetics Tuebingen
Classification: Uncertain significance. Last evaluated: 2024-03-01. Review status: criteria provided, single submitter. Criteria: CeGaT Center For Human Genetics Tuebingen Variant Classification Criteria Version 2. Collection method: clinical testing. Allele origin: germline. Affected: yes. Observed: 1 variant allele.
Comment: ATP10A: PM2

NM_024490.4(ATP10A):c.106G>A (p.Gly36Ser)

Gene: ATP10A (ATPase phospholipid transporting 10A (putative); minus strand). Cytogenetic location: 15q12.
Variant type: single nucleotide variant.
Coding change: c.106G>A on transcript NM_024490.4 (MANE Select); coding-DNA position 106, G replaced by A.
Protein change: p.Gly36Ser; replaces glycine 36 with serine.
Molecular consequence: missense variant.
Genome position (GRCh38, 1-based): chr15:25,862,991, C>T on the plus strand (G>A on the coding strand, the complement: ATP10A is on the minus strand). VCF-style: chr15-25862991-C-T. GRCh37 (hg19) VCF-style: chr15-26108138-C-T.
Other names: short protein forms G36S.
Identifiers: ClinVar variation 3067617 (VCV003067617.21), dbSNP rs2504745128, ClinGen allele CA391457704.